The following is an entry in ClinVar:

NM_001165963.4(SCN1A):c.4810T>C (p.Trp1604Arg)

Genes: SCN1A (sodium voltage-gated channel alpha subunit 1; minus strand), LOC102724058 (uncharacterized LOC102724058; plus strand). Cytogenetic location: 2q24.3.
Variant type: single nucleotide variant.
Coding change: c.4810T>C on transcript NM_001165963.4 (MANE Select); coding-DNA position 4810, T replaced by C.
Protein change: p.Trp1604Arg; replaces tryptophan 1604 with arginine.
Molecular consequence: missense variant. On other transcripts: non-coding transcript variant (1).
Genome position (GRCh38, 1-based): chr2:165,994,188, A>G on the plus strand (T>C on the coding strand, the complement: SCN1A is on the minus strand). VCF-style: chr2-165994188-A-G. GRCh37 (hg19) VCF-style: chr2-166850698-A-G.
Other names: c.4774T>C, p.Trp1592Arg (NM_001353955.2, NM_001353954.2); c.4726T>C, p.Trp1576Arg (NM_001353957.2, NM_001353958.2, NM_001165964.3); c.4723T>C, p.Trp1575Arg (NM_001353960.2); c.2368T>C, p.Trp790Arg (NM_001353961.2); c.4777T>C, p.Trp1593Arg (NM_006920.6, NM_001353949.2, NM_001353950.2 and 2 more transcripts); c.4810T>C, p.Trp1604Arg (NM_001202435.3, NM_001353948.2); short protein forms W1576R, W1604R, W1575R, W1593R, W790R, W1592R.
Identifiers: ClinVar variation 808858 (VCV000808858.44), dbSNP rs1573962964, ClinGen allele CA349071450.
Genomic context (GRCh38, chr2:165,994,188, plus strand): 5'-ACTTTAAATATTTCTTACCTACAATGGAGAGAATGACAACCACAAAATCAAAAATATTCC[A>G]TCCAATGGTAAAATAATAATGGCGTAGAGAGATGAGTTTCAGTACACACTCTCCAGTAAA-3'
Protein context (NP_001159435.1, residues 1594-1614): SLRHYYFTIG[Trp1604Arg]NIFDFVVVIL

ClinVar aggregate classification (germline): Uncertain significance. Review status: criteria provided, multiple submitters, no conflicts (2 of 4 stars). 2 submissions from 2 submitters: Uncertain significance (2). Last evaluated 2020-10-14.

Submissions (2):

GeneDx
Classification: Uncertain significance. Last evaluated: 2020-10-14. Review status: criteria provided, single submitter. Criteria: GeneDx Variant Classification Process June 2021. Collection method: clinical testing. Allele origin: germline. Affected: yes.
Comment: Not observed in large population cohorts (Lek et al., 2016); Missense variants in this gene are often considered pathogenic (Stenson et al., 2014); In silico analysis supports that this missense variant has a deleterious effect on protein structure/function; Has not been previously published as pathogenic or benign to our knowledge; This substitution is predicted to be within the transmembrane segment S3 of the fourth homologous domain

CeGaT Center for Human Genetics Tuebingen
Classification: Uncertain significance. Last evaluated: 2019-05-01. Review status: criteria provided, single submitter. Criteria: CeGaT Center For Human Genetics Tuebingen Variant Classification Criteria Version 2. Collection method: clinical testing. Allele origin: germline. Affected: yes. Observed: 1 variant allele.